The following is an entry in ClinVar:

ClinVar aggregate classification (germline): Uncertain significance (1 of 4 stars; one submission).

Conditions:
Catecholaminergic polymorphic ventricular tachycardia 1. Also called: VENTRICULAR TACHYCARDIA, STRESS-INDUCED POLYMORPHIC 1; VENTRICULAR TACHYCARDIA, CATECHOLAMINERGIC POLYMORPHIC, 1, WITH OR WITHOUT ATRIAL DYSFUNCTION AND/OR DILATED CARDIOMYOPATHY; RYR2-Related Catecholaminergic Polymorphic Ventricular Tachycardia. Identifiers: Orphanet 3286, MedGen C1631597, MONDO:0011484, OMIM 604772.

Submission:

Labcorp Genetics (formerly Invitae), Labcorp
Classification: Uncertain significance for Catecholaminergic polymorphic ventricular tachycardia 1. Last evaluated: 2022-03-18. Review status: criteria provided, single submitter. Criteria: Invitae Variant Classification Sherloc (09022015). Collection method: clinical testing. Allele origin: germline.
Comment: In summary, the available evidence is currently insufficient to determine the role of this variant in disease. Therefore, it has been classified as a Variant of Uncertain Significance. Variants that disrupt the consensus splice site are a relatively common cause of aberrant splicing (PMID: 17576681, 9536098). Algorithms developed to predict the effect of sequence changes on RNA splicing suggest that this variant may disrupt the consensus splice site. This variant has not been reported in the literature in individuals affected with TRDN-related conditions. This variant is not present in population databases (gnomAD no frequency). This sequence change falls in intron 29 of the TRDN gene. It does not directly change the encoded amino acid sequence of the TRDN protein. It affects a nucleotide within the consensus splice site.

Literature cited by the submitters: PubMed 17576681; PubMed 9536098.

NM_006073.4(TRDN):c.1672+3A>G

Gene: TRDN (triadin; minus strand). Cytogenetic location: 6q22.31.
Variant type: single nucleotide variant.
Coding change: c.1672+3A>G on transcript NM_006073.4 (MANE Select); 3 bases into the intron after coding-DNA position 1672, A replaced by G.
Molecular consequence: intron variant.
Genome position (GRCh38, 1-based): chr6:123,272,961, T>C on the plus strand (A>G on the coding strand, the complement: TRDN is on the minus strand). VCF-style: chr6-123272961-T-C. GRCh37 (hg19) VCF-style: chr6-123594106-T-C.
Identifiers: ClinVar variation 1947362 (VCV001947362.5), dbSNP rs1582807470, ClinGen allele CA1660351452.
Genomic context (GRCh38, chr6:123,272,961, plus strand): 5'-CCTTCTGCTAAAATTAGAACATTGAGAGGTTATTTGAGACTACAAATACCACCTGCAAAA[T>C]ACCTGGTTTACCATGAGAAACAGTCTTTTCTGGTTTCACTATGTCTTGTTCTGAAAATAA-3'